The following is an entry in ClinVar:

ClinVar aggregate classification (germline): Pathogenic/Likely pathogenic. Review status: criteria provided, single submitter (1 of 4 stars). 2 submissions from 1 submitter: Pathogenic (1); Likely pathogenic (1). Last evaluated 2024-10-04.

Conditions:
Cardiomyopathy (CMYO). Also called: Cardiomyopathies. Identifiers: Orphanet 167848, MedGen C0878544, MONDO:0004994, HP:0001638. Inheritance: Various modes of inheritance.
Hypertrophic cardiomyopathy 4. Also called: Familial hypertrophic cardiomyopathy 4. Identifiers: MedGen C1861862, MONDO:0007268, OMIM 115197.

Allele frequency attached by ClinVar (database versions not stated): gnomAD exomes below 0.00001.
gnomAD v4.1: 2 of 1,614,056 alleles (0.00012%); highest among the groups gnomAD compares: South Asian, 0.0022%; no homozygotes.

Submissions (2):

Dubai Health Genomic Medicine Center, Dubai Health
Classification: Pathogenic for Cardiomyopathy. Last evaluated: 2024-10-04. Review status: criteria provided, single submitter. Criteria: ACMG Guidelines, 2015. Collection method: research. Allele origin: germline. Affected: yes.
Comment: PVS1, PM5, PM2

Dubai Health Genomic Medicine Center, Dubai Health
Classification: Likely pathogenic for Hypertrophic cardiomyopathy 4. Last evaluated: 2020-08-27. Review status: criteria provided, single submitter. Criteria: ACMG Guidelines, 2015. Collection method: clinical testing. Allele origin: germline. Affected: yes.
Comment: The c.2148+1G>A variant in MYBPC3 has not been previously reported in individuals with disease but was detected in 1/30602 South Asian Alleles in the Genome Aggregation Database (gnomAD). This variant occurs in the invariant region (+/- 1/2) of the splice consensus sequence and is predicted to cause altered splicing leading to an abnormal or absent protein. Another variant at this position (c.2148+1G>T) has been has been reported as likely pathogenic by clinical laboratories (ClinVar Accession: RCV000702923.1). In summary this variant meets our criteria to be classified as likely pathogenic.

NM_000256.3(MYBPC3):c.2148+1G>A

Gene: MYBPC3 (myosin binding protein C3; minus strand). Cytogenetic location: 11p11.2.
Variant type: single nucleotide variant.
Coding change: c.2148+1G>A on transcript NM_000256.3 (MANE Select); the canonical splice donor site of the intron after coding-DNA position 2148, G replaced by A.
Molecular consequence: splice donor variant.
Genome position (GRCh38, 1-based): chr11:47,339,323, C>T on the plus strand (G>A on the coding strand, the complement: MYBPC3 is on the minus strand). VCF-style: chr11-47339323-C-T. GRCh37 (hg19) VCF-style: chr11-47360874-C-T.
Identifiers: ClinVar variation 1301741 (VCV001301741.3), dbSNP rs1060499604, ClinGen allele CA380320744.